The following is an entry in ClinVar:

ClinVar aggregate classification (germline): Uncertain significance (1 of 4 stars; one submission).

Conditions:
Leigh syndrome (NULS). Also called: Leigh's necrotizing encephalopathy; Leigh's disease; Leigh Syndrome (mtDNA deletion); Leigh Disease; Subacute necrotizing encephalopathy; Necrotizing encephalopathy infantile subacute of Leigh. Identifiers: Orphanet 506, MedGen C2931891, MONDO:0009723, OMIM 256000.

Submission:

Wong Mito Lab, Molecular and Human Genetics, Baylor College of Medicine
Classification: Uncertain significance for Leigh syndrome. Last evaluated: 2019-10-17. Review status: criteria provided, single submitter. Criteria: Modified ACMG Guidelines (Unpublished). Collection method: clinical testing. Allele origin: germline.
Comment: The NC_012920.1:m.7362G>A (YP_003024028.1:p.Glu487Lys) variant in MTCO1 gene is interpretated to be a Uncertain Significance variant based on the modified ACMG guidelines (unpublished). This variant meets the following evidence codes: BP4

Literature cited by the submitters: PubMed 25701779.

NC_012920.1(MT-CO1):m.7362G>A

Gene: MT-CO1 (mitochondrially encoded cytochrome c oxidase I; plus strand).
Variant type: single nucleotide variant.
Genome position: chrM-7362-G-A.
Identifiers: ClinVar variation 692737 (VCV000692737.1), dbSNP rs1603220917, ClinGen allele CA414792567.